The following is an entry in ClinVar:

ClinVar aggregate classification (germline): Uncertain significance (1 of 4 stars; one submission).

Conditions:
Hereditary cancer-predisposing syndrome. Also called: Hereditary neoplastic syndrome; Neoplastic Syndromes, Hereditary; Tumor predisposition; Hereditary Cancer Syndrome. Identifiers: Orphanet 140162, MedGen C0027672, MeSH D009386, MONDO:0015356.

Submission:

Ambry Genetics
Classification: Uncertain significance for Hereditary cancer-predisposing syndrome. Last evaluated: 2025-02-05. Review status: criteria provided, single submitter. Criteria: Ambry Variant Classification Scheme 2023. Collection method: clinical testing. Allele origin: germline.
Comment: The p.L460I variant (also known as c.1378C>A), located in coding exon 15 of the CDC73 gene, results from a C to A substitution at nucleotide position 1378. The leucine at codon 460 is replaced by isoleucine, an amino acid with highly similar properties. This amino acid position is conserved. In addition, this alteration is predicted to be tolerated by in silico analysis. Based on the available evidence, the clinical significance of this variant remains unclear.

NM_024529.5(CDC73):c.1378C>A (p.Leu460Ile)

Gene: CDC73 (cell division cycle 73; plus strand). Cytogenetic location: 1q31.2.
Variant type: single nucleotide variant.
Coding change: c.1378C>A on transcript NM_024529.5 (MANE Select); coding-DNA position 1378, C replaced by A.
Protein change: p.Leu460Ile; replaces leucine 460 with isoleucine.
Molecular consequence: missense variant.
Genome position (GRCh38, 1-based): chr1:193,236,317, C>A. VCF-style: chr1-193236317-C-A. GRCh37 (hg19) VCF-style: chr1-193205447-C-A.
Other names: short protein forms L460I.
Identifiers: ClinVar variation 3829895 (VCV003829895.1).
Genomic context (GRCh38, chr1:193,236,317, plus strand): 5'-GACCGCGTTGTAGCCGTTTTTGTGCAGGGTCCTGCATGGCAGTTCAAAGGTTGGCCATGG[C>A]TTTTGCCTGATGGATCACCAGTTGATATATTTGCTAAAAGTAAGATTCTCTTTGTATTTA-3'
Protein context (NP_078805.3, residues 450-470): PAWQFKGWPW[Leu460Ile]LPDGSPVDIF